The following is an entry in ClinVar:

ClinVar aggregate classification (germline): Pathogenic/Likely pathogenic. Review status: criteria provided, multiple submitters, no conflicts (2 of 4 stars). 12 submissions from 12 submitters: Pathogenic (4); Likely pathogenic (8). Last evaluated 2025-10-26.

Conditions:
SDHC-related disorder. Also called: SDHC-related condition.
Inherited phaeochromocytoma and paraganglioma excluding NF1.
Gastrointestinal stromal tumor. Also called: Gastrointestinal stroma tumor; Gastrointestinal stromal tumor, somatic. Identifiers: Orphanet 44890, MedGen C0238198, MeSH D046152, MONDO:0011719, OMIM 606764, HP:0100723.
Pheochromocytoma/paraganglioma syndrome 3. Also called: SDHC-Related Hereditary Paraganglioma-Pheochromocytoma Syndrome (Paragangliomas 3); SDHC-Related Hereditary Paraganglioma-Pheochromocytoma Syndrome; Paragangliomas 3; GLOMUS TUMORS, FAMILIAL, 3. Identifiers: Orphanet 29072, MedGen C1854336, MONDO:0011544, OMIM 605373.
Hereditary cancer-predisposing syndrome. Also called: Tumor predisposition; Neoplastic Syndromes, Hereditary; Hereditary neoplastic syndrome; Hereditary Cancer Syndrome. Identifiers: Orphanet 140162, MedGen C0027672, MeSH D009386, MONDO:0015356.
Hereditary pheochromocytoma and paraganglioma. Also called: Hereditary Paraganglioma-Pheochromocytoma Syndromes; Hereditary paragangliomas and pheochromocytomas; Hereditary pheochromocytoma-paraganglioma. Identifiers: Orphanet 29072, MedGen C4274332, MONDO:0017366.

Allele frequency attached by ClinVar (database versions not stated): TOPMed below 0.00001; gnomAD 0.00001; gnomAD exomes 0.00002.
gnomAD v4.1: 31 of 1,614,010 alleles (0.0019%); highest among the groups gnomAD compares: Non-Finnish European, 0.0026%; no homozygotes.

Submissions 1 to 8 of 12:

Labcorp Genetics (formerly Invitae), Labcorp
Classification: Pathogenic for Pheochromocytoma/paraganglioma syndrome 3; Gastrointestinal stromal tumor. Last evaluated: 2025-10-26. Review status: criteria provided, single submitter. Criteria: Invitae Variant Classification Sherloc (09022015). Collection method: clinical testing. Allele origin: germline.
Comment: This sequence change replaces histidine, which is basic and polar, with arginine, which is basic and polar, at codon 127 of the SDHC protein (p.His127Arg). This variant is present in population databases (rs786203457, gnomAD no frequency). This missense change has been observed in individuals with gastrointestinal stromal tumor, renal carcinoma and papillary thyroid carcinoma and paraganglioma (PMID: 23666964, 24150194, 25494863; internal data). ClinVar contains an entry for this variant (Variation ID: 187084). Invitae Evidence Modeling of protein sequence and biophysical properties (such as structural, functional, and spatial information, amino acid conservation, physicochemical variation, residue mobility, and thermodynamic stability) indicates that this missense variant is expected to disrupt SDHC protein function with a positive predictive value of 95%. RNA analysis performed to evaluate the impact of this missense change on mRNA splicing indicates it does not significantly alter splicing (internal data). This variant disrupts the p.His127 amino acid residue in SDHC. Other variant(s) that disrupt this residue have been observed in individuals with SDHC-related conditions (PMID: 22517557, 24758179), which suggests that this may be a clinically significant amino acid residue. For these reasons, this variant has been classified as Pathogenic.

NHS Central & South Genomic Laboratory Hub
Classification: Likely pathogenic for Inherited phaeochromocytoma and paraganglioma excluding NF1. Last evaluated: 2025-10-21. Review status: criteria provided, single submitter. Criteria: ACMG Guidelines, 2015. Collection method: clinical testing. Allele origin: germline. Affected: yes.

GeneDx
Classification: Likely pathogenic. Last evaluated: 2025-03-30. Review status: criteria provided, single submitter. Criteria: GeneDx Variant Classification Process June 2021. Collection method: clinical testing. Allele origin: germline. Affected: yes.
Comment: In silico analysis supports that this missense variant has a deleterious effect on protein structure/function; Not observed at significant frequency in large population cohorts (gnomAD); This variant is associated with the following publications: (PMID: 23162105, 29386252, 25025441, 31579262, 19332149, 23666964, 26259135, 25494863, 23282968, 25394176, 24886695, 26273102, 23833252, 24625421, 24096523, 33087929, 34703596, 34558728, 34308366, 34110302, 34301805, 24150194, 35739278, 36195768, 36449569, 28873162, 31308404, 27011036)

Ambry Genetics
Classification: Pathogenic for Hereditary cancer-predisposing syndrome. Last evaluated: 2024-09-29. Review status: criteria provided, single submitter. Criteria: Ambry Variant Classification Scheme 2023. Collection method: clinical testing. Allele origin: germline.
Comment: The p.H127R pathogenic mutation (also known as c.380A>G), located in coding exon 5 of the SDHC gene, results from an A to G substitution at nucleotide position 380. The histidine at codon 127 is replaced by arginine, an amino acid with highly similar properties. The mutation has been detected in multiple individuals with paraganglioma(s) (Rattenberry E et al. J Clin Endocrinol Metab, 2013 Jul;98:E1248-56; D&eacute;nes J et al. J Clin Endocrinol Metab, 2015 Mar;100:E531-41; Andrews KA et al. J Med Genet, 2018 06;55:384-394; Ambry internal data). It has also been identified in patients with a succinate dehydrogenase (SDH)-deficient gastrointestinal stromal tumor and/or renal carcinoma (Gill AJ et al. Pathology, 2013 12;45:689-91; Gill AJ et al. Am J Surg Pathol, 2014 Dec;38:1588-602; Casey RT et al. Sci Rep, 2019 07;9:10244; Ambry internal data). Based on internal structural analysis, this mutation disrupts the SDHC heme-binding site, within which there are other internally pathogenic variants (Sun F et al. Cell, 2005 Jul;121:1043-57; Fufezan C et al. Proteins, 2008 Nov;73:690-704; Lemarie A et al. Mitochondrion, 2009 Jul;9:254-60). This variant is considered to be rare based on population cohorts in the Genome Aggregation Database (gnomAD). This amino acid position is highly conserved in available vertebrate species. In addition, this alteration is predicted to be deleterious by in silico analysis. Based on the supporting evidence, this alteration is interpreted as a disease-causing mutation.

Quest Diagnostics Nichols Institute San Juan Capistrano
Classification: Pathogenic. Last evaluated: 2024-06-03. Review status: criteria provided, single submitter. Criteria: Quest Diagnostics criteria. Collection method: clinical testing. Allele origin: unknown.
Comment: The SDHC c.380A>G (p.His127Arg) variant has been reported in the published literature in individuals with pheochromocytoma and paraganglioma (PGL-PCC) (PMID: 23666964 (2013), 25494863 (2015), 29386252 (2018), 30201732 (2018), 32751108 (2020), 34110302 (2021), 36045543 (2022)). This variant has also been reported in individuals with gastrointestinal stromal tumor (GIST) (PMID: 31308404 (2019), 32751108 (2020), 34308366 (2021), 36198483 (2023)), renal carcinoma (PMID: 25025441 (2014), 32751108 (2020)), pituitary adenoma (PMID: 24625421 (2014), 36449569 (2023)) and acute lymphoblastic leukemia (ALL) (PMID: 35739278 (2022)). The frequency of this variant in the general population, 0.000032 (1/31390 chromosomes (Genome Aggregation Database)), is uninformative in the assessment of its pathogenicity. Analysis of this variant using bioinformatics tools for the prediction of the effect of amino acid changes on protein structure and function yielded predictions that this variant is damaging. Based on the available information, this variant is classified as pathogenic.

All of Us Research Program, National Institutes of Health
Classification: Likely pathogenic for Hereditary pheochromocytoma and paraganglioma. Last evaluated: 2024-04-02. Review status: criteria provided, single submitter. Criteria: ACMG Guidelines, 2015. Collection method: clinical testing. Allele origin: germline. Inheritance: Autosomal dominant inheritance. Observed: 2 variant alleles, 2 heterozygotes.
Comment: This missense variant replaces histidine with arginine at codon 127 of the SDHC protein. Computational prediction suggests that this variant may have deleterious impact on protein structure and function (internally defined REVEL score threshold >= 0.7, PMID: 27666373). To our knowledge, functional studies have not been reported for this variant, however histidine-127 is a key amino acid for heme binding (PMID: 15989954) and mutations of this residue abolish SDHC protein levels, destabilize of SDHD and SDHB level, and abrogate both succinate ubiquinone oxidoreductase (SQR) and succinate dehydrogenase (SDH) (complex II) enzymatic activities in mitochondria (PMID: 19332149). This variant has been reported in individuals affected with paragangliomas, gastrointestinal stromal tumors (GIST), renal cell carcinoma, and pituitary adenomas (PMID: 23282968, 23666964, 24150194, 24625421, 25025441, 25494863, 29386252, 31308404, 34110302, 34558728). This variant has been identified in 1/31390 chromosomes in the general population by the Genome Aggregation Database (gnomAD). Based on the available evidence, this variant is classified as Likely Pathogenic.

This study involves interpretation of variants in research participants for the purpose of population health screening. Participant phenotype was not available at the time of variant classification. Additional details can be found in publication PMID: 35346344, PMCID: PMC8962531

Myriad Genetics, Inc.
Classification: Likely pathogenic for Pheochromocytoma/paraganglioma syndrome 3. Last evaluated: 2024-02-08. Review status: criteria provided, single submitter. Criteria: Myriad Autosomal Dominant, Autosomal Recessive and X-Linked Classification Criteria (2023). Collection method: clinical testing. Allele origin: unknown.
Comment: This variant is considered likely pathogenic. This variant has been reported in multiple individuals with clinical features of gene-specific disease [PMID: 25494863, 24150194, 23666964]. This variant is expected to disrupt protein structure [Myriad internal data].

Human Genome Sequencing Center Clinical Lab, Baylor College of Medicine
Classification: Likely pathogenic for paragangliomas 3. Last evaluated: 2023-12-12. Review status: criteria provided, single submitter. Criteria: ACMG Guidelines, 2015. Collection method: clinical testing. Allele origin: unknown.

NM_003001.5(SDHC):c.380A>G (p.His127Arg)

Gene: SDHC (succinate dehydrogenase complex subunit C; plus strand). Cytogenetic location: 1q23.3.
Variant type: single nucleotide variant.
Coding change: c.380A>G on transcript NM_003001.5 (MANE Select); coding-DNA position 380, A replaced by G.
Protein change: p.His127Arg; replaces histidine 127 with arginine.
Molecular consequence: missense variant. On other transcripts: non-coding transcript variant (1), intron variant (3).
Genome position (GRCh38, 1-based): chr1:161,356,815, A>G. VCF-style: chr1-161356815-A-G. GRCh37 (hg19) VCF-style: chr1-161326605-A-G.
Other names: c.278A>G, p.His93Arg (NM_001035512.3); c.221A>G, p.His74Arg (NM_001035513.3); c.500A>G, p.His167Arg (NM_001407115.1); c.323A>G, p.His108Arg (NM_001407116.1); c.317A>G, p.His106Arg (NM_001407117.1); c.272A>G, p.His91Arg (NM_001407118.1); c.269A>G, p.His90Arg (NM_001407119.1, NM_001407120.1); c.242-5514A>G (NM_001035511.3); and 2 more; short protein forms H127R, H74R, H93R, H106R, H167R, H91R, H108R, H90R.
Identifiers: ClinVar variation 187084 (VCV000187084.29), dbSNP rs786203457, ClinGen allele CA011435.